The following is an entry in ClinVar:

NM_006059.4(LAMC3):c.4146G>C (p.Arg1382Ser)

Gene: LAMC3 (laminin subunit gamma 3; plus strand). Cytogenetic location: 9q34.12.
Variant type: single nucleotide variant.
Coding change: c.4146G>C on transcript NM_006059.4 (MANE Select); coding-DNA position 4146, G replaced by C.
Protein change: p.Arg1382Ser; replaces arginine 1382 with serine.
Molecular consequence: missense variant.
Genome position (GRCh38, 1-based): chr9:131,085,639, G>C. VCF-style: chr9-131085639-G-C. GRCh37 (hg19) VCF-style: chr9-133961026-G-C.
Other names: short protein forms R1382S.
Identifiers: ClinVar variation 279834 (VCV000279834.63), dbSNP rs147092908, ClinGen allele CA5288060.

ClinVar aggregate classification (germline): Conflicting classifications of pathogenicity. Review status: criteria provided, conflicting classifications (1 of 4 stars). 9 submissions from 9 submitters: Uncertain significance (1); Benign (1); Likely benign (4). 3 of the submissions do not count toward it. Last evaluated 2026-02-03.

Conditions:
LAMC3-related disorder. Also called: LAMC3-related condition.

Allele frequency attached by ClinVar (database versions not stated): 1000 Genomes Project 0.00140; 1000 Genomes Project 30x 0.00141; ESP Exome Variant Server 0.00384; TOPMed 0.00436.
gnomAD v4.1: 9,005 of 1,614,188 alleles (0.56%); highest among the groups gnomAD compares: Non-Finnish European, 0.69%; 23 homozygotes.

Submissions (9):

Labcorp Genetics (formerly Invitae), Labcorp
Classification: Likely benign. Last evaluated: 2026-02-03. Review status: criteria provided, single submitter. Criteria: Invitae Variant Classification Sherloc (09022015). Collection method: clinical testing. Allele origin: germline.

CeGaT Center for Human Genetics Tuebingen
Classification: Likely benign. Last evaluated: 2025-02-01. Review status: criteria provided, single submitter. Criteria: CeGaT Center For Human Genetics Tuebingen Variant Classification Criteria Version 2. Collection method: clinical testing. Allele origin: germline. Affected: yes. Observed: 9 variant alleles.
Comment: LAMC3: BP4, BS2

Blueprint Genetics
Classification: Likely benign. Last evaluated: 2024-11-20. Review status: criteria provided, single submitter. Criteria: ACMG Guidelines, 2015. Collection method: clinical testing. Allele origin: germline.

GeneDx
Classification: Benign. Last evaluated: 2017-10-24. Review status: criteria provided, single submitter. Criteria: GeneDx Variant Classification (06012015). Collection method: clinical testing. Allele origin: germline. Affected: yes.
Comment: This variant is considered likely benign or benign based on one or more of the following criteria: it is a conservative change, it occurs at a poorly conserved position in the protein, it is predicted to be benign by multiple in silico algorithms, and/or has population frequency not consistent with disease.

Genetic Services Laboratory, University of Chicago
Classification: Likely benign. Last evaluated: 2017-08-28. Review status: criteria provided, single submitter. Criteria: ACMG Guidelines, 2015. Collection method: clinical testing. Allele origin: germline. Affected: no.

Eurofins Ntd Llc (ga)
Classification: Uncertain significance. Last evaluated: 2017-06-06. Review status: criteria provided, single submitter. Criteria: EGL Classification Definitions 2015. Collection method: clinical testing. Allele origin: germline. Observed: 2 variant alleles, 2 heterozygotes.

PreventionGenetics, part of Exact Sciences
Classification: Likely benign for LAMC3-related condition. Last evaluated: 2019-11-21. Review status: no assertion criteria provided. Collection method: clinical testing. Allele origin: germline. Not counted in ClinVar's aggregate classification.
Comment: This variant is classified as likely benign based on ACMG/AMP sequence variant interpretation guidelines (Richards et al. 2015 PMID: 25741868, with internal and published modifications).

Clinical Genetics DNA and cytogenetics Diagnostics Lab, Erasmus MC, Erasmus Medical Center
Classification: Likely benign. Review status: no assertion criteria provided. Collection method: clinical testing. Allele origin: germline. Affected: yes. Study: VKGL Data-share Consensus. Not counted in ClinVar's aggregate classification.

Genome Diagnostics Laboratory, Amsterdam University Medical Center
Classification: Likely benign. Review status: no assertion criteria provided. Collection method: clinical testing. Allele origin: germline. Affected: yes. Study: VKGL Data-share Consensus. Not counted in ClinVar's aggregate classification.